The following is an entry in ClinVar:

ClinVar aggregate classification (germline): Uncertain significance (1 of 4 stars; one submission).

Submission:

Labcorp Genetics (formerly Invitae), Labcorp
Classification: Uncertain significance. Last evaluated: 2022-04-12. Review status: criteria provided, single submitter. Criteria: Invitae Variant Classification Sherloc (09022015). Collection method: clinical testing. Allele origin: germline.
Comment: This sequence change replaces threonine, which is neutral and polar, with lysine, which is basic and polar, at codon 872 of the FAN1 protein (p.Thr872Lys). This variant is not present in population databases (gnomAD no frequency). This variant has not been reported in the literature in individuals affected with FAN1-related conditions. Algorithms developed to predict the effect of missense changes on protein structure and function are either unavailable or do not agree on the potential impact of this missense change (SIFT: "Deleterious"; PolyPhen-2: "Probably Damaging"; Align-GVGD: "Class C0"). In summary, the available evidence is currently insufficient to determine the role of this variant in disease. Therefore, it has been classified as a Variant of Uncertain Significance.

NM_014967.5(FAN1):c.2615C>A (p.Thr872Lys)

Genes: FAN1 (FANCD2 and FANCI associated nuclease 1; plus strand), MTMR10 (myotubularin related protein 10; minus strand). Cytogenetic location: 15q13.3.
Variant type: single nucleotide variant.
Coding change: c.2615C>A on transcript NM_014967.5 (MANE Select); coding-DNA position 2615, C replaced by A.
Protein change: p.Thr872Lys; replaces threonine 872 with lysine.
Molecular consequence: missense variant.
Genome position (GRCh38, 1-based): chr15:30,929,225, C>A. VCF-style: chr15-30929225-C-A. GRCh37 (hg19) VCF-style: chr15-31221428-C-A.
Other names: short protein forms T872K.
Identifiers: ClinVar variation 2125086 (VCV002125086.4), dbSNP rs2542730298, ClinGen allele CA391517555.